The following is an entry in ClinVar:

ClinVar aggregate classification (germline): Uncertain significance (1 of 4 stars; one submission).

Conditions:
RASopathy. Also called: Noonan spectrum disorder; rasopathies. Identifiers: Orphanet 536391, MedGen C5555857, MONDO:0021060.

Allele frequency attached by ClinVar (database versions not stated): gnomAD exomes below 0.00001.
gnomAD v4.1: 4 of 1,613,828 alleles (0.00025%); highest among the groups gnomAD compares: Admixed American, 0.0017%; no homozygotes.

Submission:

Labcorp Genetics (formerly Invitae), Labcorp
Classification: Uncertain significance for RASopathy. Last evaluated: 2017-08-15. Review status: criteria provided, single submitter. Criteria: Invitae Variant Classification Sherloc (09022015). Collection method: clinical testing. Allele origin: germline.
Comment: This sequence change replaces threonine with isoleucine at codon 506 of the RAF1 protein (p.Thr506Ile). The threonine residue is moderately conserved and there is a moderate physicochemical difference between threonine and isoleucine. This variant is not present in population databases (ExAC no frequency). In summary, the available evidence is currently insufficient to determine the role of this variant in disease. Therefore, it has been classified as a Variant of Uncertain Significance. Algorithms developed to predict the effect of missense changes on protein structure and function do not agree on the potential impact of this missense change (SIFT: "Deleterious"; PolyPhen-2: "Benign"; Align-GVGD: "Class C0"). This variant has not been reported in the literature in individuals with RAF1-related disease.

NM_002880.4(RAF1):c.1517C>T (p.Thr506Ile)

Gene: RAF1 (Raf-1 proto-oncogene, serine/threonine kinase; minus strand). Cytogenetic location: 3p25.2.
Variant type: single nucleotide variant.
Coding change: c.1517C>T on transcript NM_002880.4 (MANE Select); coding-DNA position 1517, C replaced by T.
Protein change: p.Thr506Ile; replaces threonine 506 with isoleucine.
Molecular consequence: missense variant. On other transcripts: non-coding transcript variant (3).
Genome position (GRCh38, 1-based): chr3:12,585,700, G>A on the plus strand (C>T on the coding strand, the complement: RAF1 is on the minus strand). VCF-style: chr3-12585700-G-A. GRCh37 (hg19) VCF-style: chr3-12627199-G-A.
Other names: c.1577C>T, p.Thr526Ile (NM_001354689.3); c.1517C>T, p.Thr506Ile (NM_001354690.3); c.1274C>T, p.Thr425Ile (NM_001354691.3, NM_001354692.3); c.1418C>T, p.Thr473Ile (NM_001354693.3); c.1334C>T, p.Thr445Ile (NM_001354694.3); c.1175C>T, p.Thr392Ile (NM_001354695.3); short protein forms T506I, T526I, T392I, T425I, T445I, T473I.
Identifiers: ClinVar variation 543963 (VCV000543963.8), dbSNP rs1315751104, ClinGen allele CA351498857.
Genomic context (GRCh38, chr3:12,585,700, plus strand): 5'-GCCCTATACCAGAGACTGCTGGTGGGAGCCCAGATTCTCACCATCCAGAGGACAGAGCCA[G>A]TAGGTTGTTCAACCTGCTGAGAACCACTCCAGCGTGACTTTACTGTTGCCAAACCAAAAT-3'
Protein context (NP_002871.1, residues 496-516): WSGSQQVEQP[Thr506Ile]GSVLWMAPEV